The following is an entry in ClinVar:

ClinVar aggregate classification (germline): Uncertain significance (1 of 4 stars; one submission).

Allele frequency attached by ClinVar (database versions not stated): gnomAD 0.00005.
gnomAD v4.1: 148 of 1,586,200 alleles (0.0093%); highest among the groups gnomAD compares: Non-Finnish European, 0.012%; no homozygotes.

Submission:

Labcorp Genetics (formerly Invitae), Labcorp
Classification: Uncertain significance. Last evaluated: 2022-07-06. Review status: criteria provided, single submitter. Criteria: Invitae Variant Classification Sherloc (09022015). Collection method: clinical testing. Allele origin: germline.
Comment: This variant is present in population databases (rs757964651, gnomAD 0.01%). In summary, the available evidence is currently insufficient to determine the role of this variant in disease. Therefore, it has been classified as a Variant of Uncertain Significance. Algorithms developed to predict the effect of missense changes on protein structure and function output the following: SIFT: "Tolerated"; PolyPhen-2: "Benign"; Align-GVGD: "Class C0". The leucine amino acid residue is found in multiple mammalian species, which suggests that this missense change does not adversely affect protein function. This variant has not been reported in the literature in individuals affected with GLIS3-related conditions. This sequence change replaces valine, which is neutral and non-polar, with leucine, which is neutral and non-polar, at codon 219 of the GLIS3 protein (p.Val219Leu).

NM_001042413.2(GLIS3):c.1120G>T (p.Val374Leu)

Gene: GLIS3 (GLIS family zinc finger 3; minus strand). Cytogenetic location: 9p24.2.
Variant type: single nucleotide variant.
Coding change: c.1120G>T on transcript NM_001042413.2 (MANE Select); coding-DNA position 1120, G replaced by T.
Protein change: p.Val374Leu; replaces valine 374 with leucine.
Molecular consequence: missense variant.
Genome position (GRCh38, 1-based): chr9:4,118,358, C>A on the plus strand (G>T on the coding strand, the complement: GLIS3 is on the minus strand). VCF-style: chr9-4118358-C-A. GRCh37 (hg19) VCF-style: chr9-4118358-C-A.
Other names: c.655G>T, p.Val219Leu (NM_152629.4); short protein forms V219L, V374L.
Identifiers: ClinVar variation 2192763 (VCV002192763.4), dbSNP rs757964651, ClinGen allele CA4968298.